The following is an entry in ClinVar:

NM_000310.4(PPT1):c.456C>A (p.Cys152Ter)

Gene: PPT1 (palmitoyl-protein thioesterase 1; minus strand). Cytogenetic location: 1p34.2.
Variant type: single nucleotide variant.
Coding change: c.456C>A on transcript NM_000310.4 (MANE Select); coding-DNA position 456, C replaced by A.
Protein change: p.Cys152Ter; replaces cysteine 152 with a stop codon.
Molecular consequence: nonsense.
Genome position (GRCh38, 1-based): chr1:40,089,490, G>T on the plus strand (C>A on the coding strand, the complement: PPT1 is on the minus strand). VCF-style: chr1-40089490-G-T. GRCh37 (hg19) VCF-style: chr1-40555162-G-T.
Other names: c.147C>A, p.Cys49Ter (NM_001142604.2); c.456C>A, p.Cys152Ter (NM_001363695.2); short protein forms C152*, C49*.
Identifiers: ClinVar variation 56196 (VCV000056196.2), dbSNP rs386833648, ClinGen allele CA263510.

ClinVar aggregate classification (germline): Likely pathogenic (0 of 4 stars; one submission).

Conditions:
Neuronal ceroid lipofuscinosis 1 (CLN1). Also called: CEROID LIPOFUSCINOSIS, NEURONAL, 1, VARIABLE AGE AT ONSET; PPT1-Related Neuronal Ceroid-Lipofuscinosis. Identifiers: Orphanet 228329, MedGen C1850451, MONDO:0009744, OMIM 256730.

Submission:

Juha Muilu Group; Institute for Molecular Medicine Finland (FIMM)
Classification: Likely pathogenic for Ceroid lipofuscinosis neuronal 1. Review status: no assertion criteria provided. Collection method: not provided. Allele origin: unknown.
Comment: FinDis database variant: This variant was not found or characterized by our laboratory, data were collected from public sources: see reference
ClinVar note: Converted during submission from probable-pathogenic to Likely pathogenic.